The following is an entry in ClinVar:

NM_017617.5(NOTCH1):c.3372C>G (p.Asp1124Glu)

Gene: NOTCH1 (notch receptor 1; minus strand). Cytogenetic location: 9q34.3.
Variant type: single nucleotide variant.
Coding change: c.3372C>G on transcript NM_017617.5 (MANE Select); coding-DNA position 3372, C replaced by G.
Protein change: p.Asp1124Glu; replaces aspartic acid 1124 with glutamic acid.
Molecular consequence: missense variant.
Genome position (GRCh38, 1-based): chr9:136,508,093, G>C on the plus strand (C>G on the coding strand, the complement: NOTCH1 is on the minus strand). VCF-style: chr9-136508093-G-C. GRCh37 (hg19) VCF-style: chr9-139402545-G-C.
Other names: short protein forms D1124E.
Identifiers: ClinVar variation 3880484 (VCV003880484.1).

ClinVar aggregate classification (germline): Uncertain significance (1 of 4 stars; one submission).

Conditions:
Familial thoracic aortic aneurysm and aortic dissection (TAAD). Also called: Thoracic aortic aneurysms and dissections. Identifiers: Orphanet 91387, MedGen C4707243, MONDO:0019625.

gnomAD v4.1: 4 of 1,609,266 alleles (0.00025%); highest among the groups gnomAD compares: African/African-American, 0.0013%; no homozygotes.

Submission:

Ambry Genetics
Classification: Uncertain significance for Familial thoracic aortic aneurysm and aortic dissection. Last evaluated: 2025-01-31. Review status: criteria provided, single submitter. Criteria: Ambry Variant Classification Scheme 2023. Collection method: clinical testing. Allele origin: germline.
Comment: The p.D1124E variant (also known as c.3372C>G), located in coding exon 21 of the NOTCH1 gene, results from a C to G substitution at nucleotide position 3372. The aspartic acid at codon 1124 is replaced by glutamic acid, an amino acid with highly similar properties. This amino acid position is conserved. In addition, this alteration is predicted to be tolerated by in silico analysis. Based on the available evidence, the clinical significance of this variant remains unclear.